The following is an entry in ClinVar:

NM_002454.3(MTRR):c.973_1146+462del

Gene: MTRR (5-methyltetrahydrofolate-homocysteine methyltransferase reductase; plus strand). Cytogenetic location: 5p15.31.
Variant type: Deletion.
Coding change: c.973_1146+462del on transcript NM_002454.3 (MANE Select); coding-DNA position 973 through 462 bases into the intron after coding-DNA position 1146, 1,396 bases deleted.
Molecular consequence: splice acceptor variant, splice donor variant.
Genome position (GRCh38, 1-based): chr5:7,885,770-7,887,165, 1,396 bases deleted. GRCh37 (hg19): chr5:7,885,883-7,887,278.
Other names: c.973_1146+462del (NM_001364440.2, NM_001364441.2, NM_001364442.2 and 1 more transcripts).
Identifiers: ClinVar variation 954026 (VCV000954026.1), ClinGen allele CA1139658739.

ClinVar aggregate classification (germline): Likely pathogenic (1 of 4 stars; one submission).

Conditions:
Methylcobalamin deficiency type cblE (HMAE). Also called: VITAMIN B12-RESPONSIVE HOMOCYSTINURIA, cblE TYPE; HOMOCYSTINURIA-MEGALOBLASTIC ANEMIA, cblE COMPLEMENTATION TYPE; HOMOCYSTINURIA-MEGALOBLASTIC ANEMIA, cblE TYPE. Identifiers: Orphanet 2169, Orphanet 622, MedGen C1856057, MONDO:0009354, OMIM 236270.

Submission:

Labcorp Genetics (formerly Invitae), Labcorp
Classification: Likely pathogenic for Homocystinuria-Megaloblastic anemia due to defect in cobalamin metabolism, cblE complementation type. Last evaluated: 2019-10-08. Review status: criteria provided, single submitter. Criteria: Invitae Variant Classification Sherloc (09022015). Collection method: clinical testing. Allele origin: germline.
Comment: This variant results in the deletion of exon 8 and part of exon 7 (c.973_1146+462del) of the MTRR gene. It is expected to disrupt RNA splicing and likely results in an absent or disrupted protein product. This variant has not been reported in the literature in individuals with MTRR-related conditions. Loss-of-function variants in MTRR are known to be pathogenic (PMID: 15714522). In summary, the currently available evidence indicates that the variant is pathogenic, but additional data are needed to prove that conclusively. Therefore, this variant has been classified as Likely Pathogenic.